The following is an entry in ClinVar:

NM_000426.4(LAMA2):c.6274+2T>G

Gene: LAMA2 (laminin subunit alpha 2; plus strand). Cytogenetic location: 6q22.33.
Variant type: single nucleotide variant.
Coding change: c.6274+2T>G on transcript NM_000426.4 (MANE Select); the canonical splice donor site of the intron after coding-DNA position 6274, T replaced by G.
Molecular consequence: splice donor variant.
Genome position (GRCh38, 1-based): chr6:129,443,070, T>G. VCF-style: chr6-129443070-T-G. GRCh37 (hg19) VCF-style: chr6-129764215-T-G.
Other names: c.6274+2T>G (NM_001079823.2).
Identifiers: ClinVar variation 1470987 (VCV001470987.8), dbSNP rs752812435, ClinGen allele CA3994197.

ClinVar aggregate classification (germline): Likely pathogenic (1 of 4 stars; one submission).

Conditions:
LAMA2-related muscular dystrophy (LAMA2-RD). Also called: Laminin alpha 2-related dystrophy. Identifiers: MedGen C5679788, MONDO:0100228.

Allele frequency attached by ClinVar (database versions not stated): gnomAD exomes below 0.00001; ExAC 0.00001.

Submission:

Labcorp Genetics (formerly Invitae), Labcorp
Classification: Likely pathogenic for LAMA2-related muscular dystrophy. Last evaluated: 2021-03-10. Review status: criteria provided, single submitter. Criteria: Invitae Variant Classification Sherloc (09022015). Collection method: clinical testing. Allele origin: germline.
Comment: In summary, the currently available evidence indicates that the variant is pathogenic, but additional data are needed to prove that conclusively. Therefore, this variant has been classified as Likely Pathogenic. Algorithms developed to predict the effect of sequence changes on RNA splicing suggest that this variant may disrupt the consensus splice site, but this prediction has not been confirmed by published transcriptional studies. This variant has not been reported in the literature in individuals with LAMA2-related conditions. This variant is present in population databases (rs752812435, ExAC 0.01%). This sequence change affects a donor splice site in intron 44 of the LAMA2 gene. It is expected to disrupt RNA splicing. Variants that disrupt the donor or acceptor splice site typically lead to a loss of protein function (PMID: 16199547), and loss-of-function variants in LAMA2 are known to be pathogenic (PMID: 18700894).

Literature cited by the submitters: PubMed 16199547; PubMed 18700894.